The following is an entry in ClinVar:

NM_001267550.2(TTN):c.32721A>C (p.Arg10907Ser)

Gene: TTN (titin; minus strand). Cytogenetic location: 2q31.2.
Variant type: single nucleotide variant.
Coding change: c.32721A>C on transcript NM_001267550.2 (MANE Select); coding-DNA position 32721, A replaced by C.
Protein change: p.Arg10907Ser; replaces arginine 10907 with serine.
Molecular consequence: missense variant. On other transcripts: intron variant (3).
Genome position (GRCh38, 1-based): chr2:178,684,331, T>G on the plus strand (A>C on the coding strand, the complement: TTN is on the minus strand). VCF-style: chr2-178684331-T-G. GRCh37 (hg19) VCF-style: chr2-179549058-T-G.
Other names: c.31770A>C, p.Arg10590Ser (NM_001256850.1); c.28989A>C, p.Arg9663Ser (NM_133378.4); c.13283-42014A>C (NM_003319.4); c.13859-42014A>C (NM_133437.4); c.13658-42014A>C (NM_133432.3); short protein forms R10590S, R10907S, R9663S.
Identifiers: ClinVar variation 3239485 (VCV003239485.19), dbSNP rs751233550.

ClinVar aggregate classification (germline): Uncertain significance (1 of 4 stars; one submission).

gnomAD v4.1: 1 of 1,613,266 alleles (0.000062%); highest among the groups gnomAD compares: Non-Finnish European, 0.000085%; no homozygotes.

Submission:

CeGaT Center for Human Genetics Tuebingen
Classification: Uncertain significance. Last evaluated: 2024-05-01. Review status: criteria provided, single submitter. Criteria: CeGaT Center For Human Genetics Tuebingen Variant Classification Criteria Version 2. Collection method: clinical testing. Allele origin: germline. Affected: yes. Observed: 1 variant allele.
Comment: TTN: PM2, BP4